The following is an entry in ClinVar:

NM_000875.5(IGF1R):c.850A>T (p.Asn284Tyr)

Gene: IGF1R (insulin like growth factor 1 receptor; plus strand). Cytogenetic location: 15q26.3.
Variant type: single nucleotide variant.
Coding change: c.850A>T on transcript NM_000875.5 (MANE Select); coding-DNA position 850, A replaced by T.
Protein change: p.Asn284Tyr; replaces asparagine 284 with tyrosine.
Molecular consequence: missense variant.
Genome position (GRCh38, 1-based): chr15:98,891,534, A>T. VCF-style: chr15-98891534-A-T. GRCh37 (hg19) VCF-style: chr15-99434763-A-T.
Other names: c.850A>T, p.Asn284Tyr (NM_001291858.2); c.850A>T (NM_000875.4); short protein forms N284Y.
Identifiers: ClinVar variation 499440 (VCV000499440.12), dbSNP rs144675711, ClinGen allele CA7751921.

ClinVar aggregate classification (germline): Uncertain significance. Review status: criteria provided, multiple submitters, no conflicts (2 of 4 stars). 5 submissions from 5 submitters: Uncertain significance (4). 1 of the submissions does not count toward it. Last evaluated 2026-07-01.

Conditions:
Growth delay due to insulin-like growth factor I resistance. Also called: Somatomedin end-organ insensitivity to; Somatomedin-c resistance to; IGF-1 resistance; IGF-I RESISTANCE; Insulin-Like Growth Factor I Resistance. Identifiers: Orphanet 73273, MedGen C1849157, MONDO:0010038, OMIM 270450.
IGF1R-related disorder. Also called: IGF1R-related condition.

Allele frequency attached by ClinVar (database versions not stated): ExAC 0.00007; TOPMed 0.00009; gnomAD exomes 0.00010; gnomAD 0.00013; ESP Exome Variant Server 0.00015; 1000 Genomes Project 30x 0.00016; 1000 Genomes Project 0.00020.

Submissions (5):

CeGaT Center for Human Genetics Tuebingen
Classification: Uncertain significance. Last evaluated: 2026-07-01. Review status: criteria provided, single submitter. Criteria: CeGaT Center For Human Genetics Tuebingen Variant Classification Criteria Version 2. Collection method: clinical testing. Allele origin: germline. Affected: yes. Observed: 1 variant allele.
Comment: IGF1R: PM2

Labcorp Genetics (formerly Invitae), Labcorp
Classification: Uncertain significance. Last evaluated: 2025-04-14. Review status: criteria provided, single submitter. Criteria: Invitae Variant Classification Sherloc (09022015). Collection method: clinical testing. Allele origin: germline.
Comment: This sequence change replaces asparagine, which is neutral and polar, with tyrosine, which is neutral and polar, at codon 284 of the IGF1R protein (p.Asn284Tyr). This variant is present in population databases (rs144675711, gnomAD 0.02%). This variant has not been reported in the literature in individuals affected with IGF1R-related conditions. ClinVar contains an entry for this variant (Variation ID: 499440). Invitae Evidence Modeling of protein sequence and biophysical properties (such as structural, functional, and spatial information, amino acid conservation, physicochemical variation, residue mobility, and thermodynamic stability) indicates that this missense variant is not expected to disrupt IGF1R protein function with a negative predictive value of 80%. In summary, the available evidence is currently insufficient to determine the role of this variant in disease. Therefore, it has been classified as a Variant of Uncertain Significance.

Baylor Genetics
Classification: Uncertain significance for Growth delay due to insulin-like growth factor I resistance. Last evaluated: 2019-12-04. Review status: criteria provided, single submitter. Criteria: ACMG Guidelines, 2015. Collection method: clinical testing. Allele origin: unknown. Affected: yes.
Comment: This variant was determined to be of uncertain significance according to ACMG Guidelines, 2015 [PMID:25741868].

Eurofins Ntd Llc (ga)
Classification: Uncertain significance. Last evaluated: 2017-01-20. Review status: criteria provided, single submitter. Criteria: EGL Classification Definitions 2015. Collection method: clinical testing. Allele origin: germline. Observed: 1 variant allele, 1 heterozygote.

PreventionGenetics, part of Exact Sciences
Classification: Uncertain significance for IGF1R-related condition. Last evaluated: 2023-10-27. Review status: no assertion criteria provided. Collection method: clinical testing. Allele origin: germline. Not counted in ClinVar's aggregate classification.
Comment: The IGF1R c.850A>T variant is predicted to result in the amino acid substitution p.Asn284Tyr. To our knowledge, this variant has not been reported in the literature. This variant is reported in 0.020% of alleles in individuals of European (Non-Finnish) descent in gnomAD. At this time, the clinical significance of this variant is uncertain due to the absence of conclusive functional and genetic evidence.